The following is an entry in ClinVar:

ClinVar aggregate classification (germline): Uncertain significance (1 of 4 stars; one submission).

Submission:

Ambry Genetics
Classification: Uncertain significance. Last evaluated: 2021-09-04. Review status: criteria provided, single submitter. Criteria: Ambry Variant Classification Scheme 2023. Collection method: clinical testing. Allele origin: germline.
Comment: The p.C2880W variant (also known as c.8640C>G), located in coding exon 63 of the PRKDC gene, results from a C to G substitution at nucleotide position 8640. The cysteine at codon 2880 is replaced by tryptophan, an amino acid with highly dissimilar properties. This amino acid position is conserved. In addition, the in silico prediction for this alteration is inconclusive. Since supporting evidence is limited at this time, the clinical significance of this alteration remains unclear.

NM_006904.7(PRKDC):c.8640C>G (p.Cys2880Trp)

Genes: PRKDC (protein kinase, DNA-activated, catalytic subunit; minus strand), LOC121740717 (Sharpr-MPRA regulatory region 7649; plus strand). Cytogenetic location: 8q11.21.
Variant type: single nucleotide variant.
Coding change: c.8640C>G on transcript NM_006904.7 (MANE Select); coding-DNA position 8640, C replaced by G.
Protein change: p.Cys2880Trp; replaces cysteine 2880 with tryptophan.
Molecular consequence: missense variant.
Genome position (GRCh38, 1-based): chr8:47,826,799, G>C on the plus strand (C>G on the coding strand, the complement: PRKDC is on the minus strand). VCF-style: chr8-47826799-G-C. GRCh37 (hg19) VCF-style: chr8-48739360-G-C.
Other names: c.8640C>G, p.Cys2880Trp (NM_001081640.2); short protein forms C2880W.
Identifiers: ClinVar variation 1764137 (VCV001764137.2), dbSNP rs2551866151, ClinGen allele CA371144004.
Genomic context (GRCh38, chr8:47,826,799, plus strand): 5'-CAGGCGGAGCAGAGCCTCCTCTAGCAGGCGGATGCCCACGGGCTGCTGTAGGCTGGCCAG[G>C]CAACCAGCGCTAACAGCCGCTGGGTCGAGGCTCAGCAGGGCTGCGTGCTGACAGCTAATG-3'
Protein context (NP_008835.5, residues 2870-2890): SLDPAAVSAG[Cys2880Trp]LASLQQPVGI